The following is an entry in ClinVar:

NM_000834.5(GRIN2B):c.3619G>A (p.Glu1207Lys)

Gene: GRIN2B (glutamate ionotropic receptor NMDA type subunit 2B; minus strand). Cytogenetic location: 12p13.1.
Variant type: single nucleotide variant.
Coding change: c.3619G>A on transcript NM_000834.5 (MANE Select); coding-DNA position 3619, G replaced by A.
Protein change: p.Glu1207Lys; replaces glutamic acid 1207 with lysine.
Molecular consequence: missense variant.
Genome position (GRCh38, 1-based): chr12:13,563,619, C>T on the plus strand (G>A on the coding strand, the complement: GRIN2B is on the minus strand). VCF-style: chr12-13563619-C-T. GRCh37 (hg19) VCF-style: chr12-13716553-C-T.
Other names: c.3619G>A, p.Glu1207Lys (NM_001413992.1); short protein forms E1207K.
Identifiers: ClinVar variation 4879280 (VCV004879280.1).

ClinVar aggregate classification (germline): Uncertain significance (1 of 4 stars; one submission).

Conditions:
Developmental and epileptic encephalopathy, 27 (DEE27). Also called: Epileptic encephalopathy, early infantile, 27; GRIN2B-Related Neurodevelopmental Disorder. Identifiers: Orphanet 3451, MedGen C4015316, MONDO:0014505, OMIM 616139.
Intellectual developmental disorder, autosomal dominant 6, with or without seizures. Also called: Intellectual disability, autosomal dominant 6; GRIN2B-related developmental delay, intellectual disability and autism spectrum disorder. Identifiers: Orphanet 589547, MedGen C3151411, MONDO:0013509, OMIM 613970.

gnomAD v4.1: 1 of 1,614,026 alleles (0.000062%); highest among the groups gnomAD compares: Non-Finnish European, 0.000085%; no homozygotes.

Submission:

Clinical Genomics Laboratory, Washington University in St. Louis
Classification: Uncertain significance for Developmental and epileptic encephalopathy, 27; Intellectual developmental disorder, autosomal dominant 6, with or without seizures. Last evaluated: 2026-05-02. Review status: criteria provided, single submitter. Criteria: ACMG Guidelines, 2015. Collection method: clinical testing. Allele origin: germline.
Comment: The GRIN2B c.3619G>A (p.Glu1207Lys) variant, to our knowledge, has not been reported in the medical literature. This variant is absent from the general population (gnomAD v2.1.1), indicating it is not a common variant. Computational predictors suggest that the variant does not impact GRIN2B function. Due to limited information, and based on ACMG/AMP guidelines for variant interpretation (Richards S et al., PMID: 25741868), the clinical significance of this variant is uncertain at this time.